The following is an entry in ClinVar:

ClinVar aggregate classification (germline): Uncertain significance (1 of 4 stars; one submission).

Conditions:
Oto-palato-digital syndrome, type II (OPD2). Also called: FACIOPALATOOSSEOUS SYNDROME; OPD II SYNDROME; Otopalatodigital Syndrome, Type II; Otopalatodigital Syndrome Type 2 (FLNA-OPD2). Identifiers: Orphanet 669, Orphanet 90652, MedGen C1844696, MONDO:0010571, OMIM 304120.
Heterotopia, periventricular, X-linked dominant (PVNH1). Also called: PERIVENTRICULAR NODULAR HETEROTOPIA 1; X-linked periventricular heterotopia; PERIVENTRICULAR NODULAR HETEROTOPIA 4; HETEROTOPIA, PERIVENTRICULAR, 1. Identifiers: Orphanet 2149, Orphanet 82004, MedGen C1848213, MONDO:0010233, OMIM 300049.
Frontometaphyseal dysplasia (FMD1). Identifiers: Orphanet 1826, MedGen C0265293, MONDO:0015942.
Melnick-Needles syndrome (MNS). Also called: MELNICK-NEEDLES OSTEODYSPLASTY; OSTEODYSPLASTY OF MELNICK AND NEEDLES; Melnick-Needles Syndrome (FLNA-MNS). Identifiers: Orphanet 2484, MedGen C0025237, MONDO:0010650, OMIM 309350.

Submission:

Labcorp Genetics (formerly Invitae), Labcorp
Classification: Uncertain significance for Oto-palato-digital syndrome, type II; Heterotopia, periventricular, X-linked dominant; Frontometaphyseal dysplasia; Melnick-Needles syndrome. Last evaluated: 2022-12-30. Review status: criteria provided, single submitter. Criteria: Invitae Variant Classification Sherloc (09022015). Collection method: clinical testing. Allele origin: germline.
Comment: This sequence change replaces glutamine, which is neutral and polar, with glutamic acid, which is acidic and polar, at codon 1310 of the FLNA protein (p.Gln1310Glu). This variant is not present in population databases (gnomAD no frequency). This variant has not been reported in the literature in individuals affected with FLNA-related conditions. Advanced modeling of protein sequence and biophysical properties (such as structural, functional, and spatial information, amino acid conservation, physicochemical variation, residue mobility, and thermodynamic stability) performed at Invitae indicates that this missense variant is not expected to disrupt FLNA protein function. In summary, the available evidence is currently insufficient to determine the role of this variant in disease. Therefore, it has been classified as a Variant of Uncertain Significance.

NM_001110556.2(FLNA):c.3928C>G (p.Gln1310Glu)

Gene: FLNA (filamin A; minus strand). Cytogenetic location: Xq28.
Variant type: single nucleotide variant.
Coding change: c.3928C>G on transcript NM_001110556.2 (MANE Select); coding-DNA position 3928, C replaced by G.
Protein change: p.Gln1310Glu; replaces glutamine 1310 with glutamic acid.
Molecular consequence: missense variant.
Genome position (GRCh38, 1-based): chrX:154,359,783, G>C on the plus strand (C>G on the coding strand, the complement: FLNA is on the minus strand). VCF-style: chrX-154359783-G-C. GRCh37 (hg19) VCF-style: chrX-153588151-G-C.
Other names: c.3928C>G, p.Gln1310Glu (NM_001456.4); short protein forms Q1310E.
Identifiers: ClinVar variation 2942803 (VCV002942803.3), dbSNP rs2067690505, ClinGen allele CA415221745.
Genomic context (GRCh38, chrX:154,359,783, plus strand): 5'-AGCACGCACCCTCCTCGTAAGGCGTGTACTCCACTTTGTACATGCCATCGCCACGGTCCT[G>C]AACGTAGGTCTCCGTCAGGTTGCCTGAGGGGTTGGCCACACGGGCCTTGACGTGCGGCCC-3'
Protein context (NP_001104026.1, residues 1300-1320): PSGNLTETYV[Gln1310Glu]DRGDGMYKVE